The following is an entry in ClinVar:

NM_005094.4(SLC27A4):c.1526T>C (p.Phe509Ser)

Gene: SLC27A4 (solute carrier family 27 member 4; plus strand). Cytogenetic location: 9q34.11.
Variant type: single nucleotide variant.
Coding change: c.1526T>C on transcript NM_005094.4 (MANE Select); coding-DNA position 1526, T replaced by C.
Protein change: p.Phe509Ser; replaces phenylalanine 509 with serine.
Molecular consequence: missense variant.
Genome position (GRCh38, 1-based): chr9:128,355,461, T>C. VCF-style: chr9-128355461-T-C. GRCh37 (hg19) VCF-style: chr9-131117740-T-C.
Other names: p.Phe509Ser; short protein forms F509S.
Identifiers: ClinVar variation 4813622 (VCV004813622.2).

ClinVar aggregate classification (germline): Uncertain significance. Review status: criteria provided, multiple submitters, no conflicts (2 of 4 stars). 2 submissions from 2 submitters: Uncertain significance (2). Last evaluated 2026-03-17.

Conditions:
Ichthyosis prematurity syndrome (IPS). Also called: ICHTHYOSIS CONGENITA IV. Identifiers: Orphanet 88621, MedGen C1837610, MONDO:0012089, OMIM 608649.

gnomAD v4.1: 1 of 1,611,790 alleles (0.000062%); highest among the groups gnomAD compares: South Asian, 0.0011%; no homozygotes.

Submissions (2):

Department of Molecular Genetics, Istishari Arab Hospital
Classification: Uncertain significance for Ichthyosis prematurity syndrome. Last evaluated: 2026-03-17. Review status: criteria provided, single submitter. Criteria: ACMG Guidelines, 2015. Collection method: clinical testing. Allele origin: germline. Inheritance: Autosomal recessive inheritance. Affected: yes.
Comment: The SLC27A4 variant c.1526T>C, p.Phe509Ser causes an amino acid change from Phe to Ser at position 509. The variant is observed at an extremely low frequency in the gnomAD v4.1.0 dataset (total allele frequency: <0.001%). To the best of our knowledge, this variant was not previously reported in the literature. It is classified as a variant of uncertain significance according to the recommendations of ACMG/AMP/ClinGen SVI guidelines.

3billion
Classification: Uncertain significance for Ichthyosis prematurity syndrome. Last evaluated: 2025-09-10. Review status: criteria provided, single submitter. Criteria: ACMG Guidelines, 2015. Collection method: clinical testing. Allele origin: germline. Affected: yes.
Comment: The variant is observed at an extremely low frequency in the gnomAD v4.1.0 dataset (total allele frequency: <0.001%). Predicted Consequence/Location: Missense variant In silico tool predictions suggest damaging effect of the variant on gene or gene product [REVEL: 0.73 (>=0.6, sensitivity 0.68 and specificity 0.92)]. Therefore, this variant is classified as VUS according to the recommendation of ACMG/AMP guideline.